The following is an entry in ClinVar:

NM_004336.5(BUB1):c.1643C>T (p.Thr548Ile)

Gene: BUB1 (BUB1 mitotic checkpoint serine/threonine kinase; minus strand). Cytogenetic location: 2q13.
Variant type: single nucleotide variant.
Coding change: c.1643C>T on transcript NM_004336.5 (MANE Select); coding-DNA position 1643, C replaced by T.
Protein change: p.Thr548Ile; replaces threonine 548 with isoleucine.
Molecular consequence: missense variant.
Genome position (GRCh38, 1-based): chr2:110,657,091, G>A on the plus strand (C>T on the coding strand, the complement: BUB1 is on the minus strand). VCF-style: chr2-110657091-G-A. GRCh37 (hg19) VCF-style: chr2-111414668-G-A.
Other names: c.1583C>T, p.Thr528Ile (NM_001278616.2); c.1643C>T, p.Thr548Ile (NM_001278617.2); short protein forms T548I, T528I.
Identifiers: ClinVar variation 2464921 (VCV002464921.2), dbSNP rs376146753, ClinGen allele CA1828017.

ClinVar aggregate classification (germline): Uncertain significance (1 of 4 stars; one submission).

Allele frequency attached by ClinVar (database versions not stated): gnomAD 0.00001; ExAC 0.00003; gnomAD exomes 0.00005; ESP Exome Variant Server 0.00008.
gnomAD v4.1: 70 of 1,613,078 alleles (0.0043%); highest among the groups gnomAD compares: Non-Finnish European, 0.0057%; 1 homozygote.

Submission:

Ambry Genetics
Classification: Uncertain significance. Last evaluated: 2023-01-21. Review status: criteria provided, single submitter. Criteria: Ambry Variant Classification Scheme 2023. Collection method: clinical testing. Allele origin: germline.
Comment: The p.T548I variant (also known as c.1643C>T), located in coding exon 15 of the BUB1 gene, results from a C to T substitution at nucleotide position 1643. The threonine at codon 548 is replaced by isoleucine, an amino acid with similar properties. This amino acid position is conserved. In addition, this alteration is predicted to be tolerated by in silico analysis. Since supporting evidence is limited at this time, the clinical significance of this alteration remains unclear.